The following is an entry in ClinVar:

NM_001018111.3(PODXL):c.278C>G (p.Thr93Arg)

Gene: PODXL (podocalyxin like; minus strand). Cytogenetic location: 7q32.3.
Variant type: single nucleotide variant.
Coding change: c.278C>G on transcript NM_001018111.3 (MANE Select); coding-DNA position 278, C replaced by G.
Protein change: p.Thr93Arg; replaces threonine 93 with arginine.
Molecular consequence: missense variant.
Genome position (GRCh38, 1-based): chr7:131,511,256, G>C on the plus strand (C>G on the coding strand, the complement: PODXL is on the minus strand). VCF-style: chr7-131511256-G-C. GRCh37 (hg19) VCF-style: chr7-131196015-G-C.
Other names: c.278C>G, p.Thr93Arg (NM_005397.4); c.278C>G (NM_005397.3, NM_001018111.2); short protein forms T93R.
Identifiers: ClinVar variation 1672356 (VCV001672356.18), dbSNP rs140866787, ClinGen allele CA4488735.

ClinVar aggregate classification (germline): Conflicting classifications of pathogenicity. Review status: criteria provided, conflicting classifications (1 of 4 stars). 4 submissions from 4 submitters: Uncertain significance (1); Likely benign (2). 1 of the submissions does not count toward it. Last evaluated 2025-09-01.

Conditions:
Inborn genetic diseases. Identifiers: MedGen C0950123, MeSH D030342.
PODXL-related disorder. Also called: PODXL-related condition.

Allele frequency attached by ClinVar (database versions not stated): gnomAD exomes 0.00006 and 0.00018; ExAC 0.00015; 1000 Genomes Project 30x 0.00016; 1000 Genomes Project 0.00020; gnomAD 0.00059 and 0.00062; ESP Exome Variant Server 0.00062; TOPMed 0.00066.
gnomAD v4.1: 196 of 1,614,064 alleles (0.012%); highest among the groups gnomAD compares: African/African-American, 0.2%; 1 homozygote.

Submissions (4):

CeGaT Center for Human Genetics Tuebingen
Classification: Likely benign. Last evaluated: 2025-09-01. Review status: criteria provided, single submitter. Criteria: CeGaT Center For Human Genetics Tuebingen Variant Classification Criteria Version 2. Collection method: clinical testing. Allele origin: germline. Affected: yes. Observed: 1 variant allele.
Comment: PODXL: BP4

Labcorp Genetics (formerly Invitae), Labcorp
Classification: Likely benign. Last evaluated: 2025-06-20. Review status: criteria provided, single submitter. Criteria: Invitae Variant Classification Sherloc (09022015). Collection method: clinical testing. Allele origin: germline.

Ambry Genetics
Classification: Uncertain significance for Inborn genetic diseases. Last evaluated: 2022-11-10. Review status: criteria provided, single submitter. Criteria: Ambry Variant Classification Scheme 2023. Collection method: clinical testing. Allele origin: germline.

PreventionGenetics, part of Exact Sciences
Classification: Likely benign for PODXL-related condition. Last evaluated: 2022-12-20. Review status: no assertion criteria provided. Collection method: clinical testing. Allele origin: germline. Not counted in ClinVar's aggregate classification.
Comment: This variant is classified as likely benign based on ACMG/AMP sequence variant interpretation guidelines (Richards et al. 2015 PMID: 25741868, with internal and published modifications).